The following is an entry in ClinVar:

NM_001131016.2(CIZ1):c.1264C>A (p.Gln422Lys)

Gene: CIZ1 (CDKN1A interacting zinc finger protein 1; minus strand). Cytogenetic location: 9q34.11.
Variant type: single nucleotide variant.
Coding change: c.1264C>A on transcript NM_001131016.2 (MANE Select); coding-DNA position 1264, C replaced by A.
Protein change: p.Gln422Lys; replaces glutamine 422 with lysine.
Molecular consequence: missense variant. On other transcripts: intron variant (3).
Genome position (GRCh38, 1-based): chr9:128,178,943, G>T on the plus strand (C>A on the coding strand, the complement: CIZ1 is on the minus strand). VCF-style: chr9-128178943-G-T. GRCh37 (hg19) VCF-style: chr9-130941222-G-T.
Other names: c.1354C>A, p.Gln452Lys (NM_001257975.2); c.961C>A, p.Gln321Lys (NM_001257976.2); c.1264C>A, p.Gln422Lys (NM_012127.3); c.1135-39C>A (NM_001131015.2); c.1063-39C>A (NM_001131018.2); c.1120-39C>A (NM_001131017.2); short protein forms Q452K, Q321K, Q422K.
Identifiers: ClinVar variation 2147609 (VCV002147609.4), dbSNP rs374131435, ClinGen allele CA5257340.

ClinVar aggregate classification (germline): Uncertain significance (1 of 4 stars; one submission).

Conditions:
Dystonic disorder. Also called: Dystonia. Identifiers: MedGen C0013421, MONDO:0003441, HP:0001332.

Allele frequency attached by ClinVar (database versions not stated): gnomAD exomes below 0.00001; ExAC 0.00001; TOPMed 0.00003; gnomAD 0.00005; ESP Exome Variant Server 0.00008.
gnomAD v4.1: 15 of 1,613,506 alleles (0.00093%); highest among the groups gnomAD compares: African/African-American, 0.015%; no homozygotes.

Submission:

Labcorp Genetics (formerly Invitae), Labcorp
Classification: Uncertain significance for Dystonic disorder. Last evaluated: 2025-09-28. Review status: criteria provided, single submitter. Criteria: Invitae Variant Classification Sherloc (09022015). Collection method: clinical testing. Allele origin: germline.
Comment: This sequence change replaces glutamine, which is neutral and polar, with lysine, which is basic and polar, at codon 422 of the CIZ1 protein (p.Gln422Lys). This variant is present in population databases (rs374131435, gnomAD 0.02%). This variant has not been reported in the literature in individuals affected with CIZ1-related conditions. ClinVar contains an entry for this variant (Variation ID: 2147609). An algorithm developed to predict the effect of missense changes on protein structure and function (PolyPhen-2) suggests that this variant is likely to be tolerated. In summary, the available evidence is currently insufficient to determine the role of this variant in disease. Therefore, it has been classified as a Variant of Uncertain Significance.